The following is an entry in ClinVar:

NM_000492.4(CFTR):c.4267C>T (p.Gln1423Ter)

Genes: CFTR (CF transmembrane conductance regulator; plus strand), LOC111674477 (CFTR intron 23 enhancer; plus strand). Cytogenetic location: 7q31.2.
Variant type: single nucleotide variant.
Coding change: c.4267C>T on transcript NM_000492.4 (MANE Select); coding-DNA position 4267, C replaced by T.
Protein change: p.Gln1423Ter; replaces glutamine 1423 with a stop codon.
Molecular consequence: nonsense.
Genome position (GRCh38, 1-based): chr7:117,666,932, C>T. VCF-style: chr7-117666932-C-T. GRCh37 (hg19) VCF-style: chr7-117306986-C-T.
Other names: short protein forms Q1423*.
Identifiers: ClinVar variation 4818559 (VCV004818559.1).
Genomic context (GRCh38, chr7:117,666,932, plus strand): 5'-TTCTGTCCCAGATCTCACTAACAGCCATTTCCCTAGGTCATAGAAGAGAACAAAGTGCGG[C>T]AGTACGATTCCATCCAGAAACTGCTGAACGAGAGGAGCCTCTTCCGGCAAGCCATCAGCC-3'

ClinVar aggregate classification (germline): Likely pathogenic (1 of 4 stars; one submission).

Conditions:
CFTR-related disorder (CFTR-RD). Also called: CFTR-related disorders; CFTR-related condition. Identifiers: MedGen C5924204, MONDO:7770004.

Submission:

Natera, Inc.
Classification: Likely pathogenic for CFTR-related disorders. Last evaluated: 2025-02-20. Review status: criteria provided, single submitter. Criteria: Natera Variant Classification Schema (03/2026). Collection method: clinical testing. Allele origin: germline.
Comment: The c.4267C>T variant in CFTR is a nonsense variant predicted to introduce a stop codon at amino acid 1423. This variant is expected to result in nonsense mediated decay, truncation, or a dysfunctional protein product. This variant is rare in the general population with a frequency below the threshold expected for the associated phenotype(s). Given the available evidence, this variant is classified as Likely Pathogenic.